The following is an entry in ClinVar:

ClinVar aggregate classification (germline): Benign/Likely benign. Review status: criteria provided, multiple submitters, no conflicts (2 of 4 stars). 4 submissions from 4 submitters: Benign (1); Likely benign (3). Last evaluated 2025-09-29.

Conditions:
Hereditary cancer-predisposing syndrome. Also called: Hereditary Cancer Syndrome; Neoplastic Syndromes, Hereditary; Tumor predisposition; Hereditary neoplastic syndrome. Identifiers: Orphanet 140162, MedGen C0027672, MeSH D009386, MONDO:0015356.
BAP1-related tumor predisposition syndrome (TPDS1). Also called: Tumor susceptibility linked to germline BAP1 mutations; BAP1 tumor predisposition syndrome; COMMON Syndrome; TUMOR PREDISPOSITION SYNDROME 1. Identifiers: Orphanet 289539, MedGen C3280492, MONDO:0013692, OMIM 614327.

Allele frequency attached by ClinVar (database versions not stated): gnomAD exomes below 0.00001.
gnomAD v4.1: 4 of 1,611,192 alleles (0.00025%); highest among the groups gnomAD compares: African/African-American, 0.0013%; no homozygotes.

Submissions (4):

Labcorp Genetics (formerly Invitae), Labcorp
Classification: Likely benign for BAP1-related tumor predisposition syndrome. Last evaluated: 2025-09-29. Review status: criteria provided, single submitter. Criteria: Invitae Variant Classification Sherloc (09022015). Collection method: clinical testing. Allele origin: germline.

Myriad Genetics, Inc.
Classification: Benign for BAP1-related tumor predisposition syndrome. Last evaluated: 2024-07-11. Review status: criteria provided, single submitter. Criteria: Myriad Autosomal Dominant, Autosomal Recessive and X-Linked Classification Criteria (2023). Collection method: clinical testing. Allele origin: unknown.
Comment: This variant is considered benign. This variant is a silent/synonymous amino acid change and it is not expected to impact splicing.

Ambry Genetics
Classification: Likely benign for Hereditary cancer-predisposing syndrome. Last evaluated: 2018-07-26. Review status: criteria provided, single submitter. Criteria: Ambry Variant Classification Scheme 2023. Collection method: clinical testing. Allele origin: germline.

Color Diagnostics, LLC DBA Color Health
Classification: Likely benign for Hereditary cancer-predisposing syndrome. Last evaluated: 2017-05-01. Review status: criteria provided, single submitter. Criteria: ACMG Guidelines, 2015. Collection method: clinical testing. Allele origin: germline.

NM_004656.4(BAP1):c.171G>C (p.Arg57=)

Gene: BAP1 (BRCA1 associated deubiquitinase 1; minus strand). Cytogenetic location: 3p21.1.
Variant type: single nucleotide variant.
Coding change: c.171G>C on transcript NM_004656.4 (MANE Select); coding-DNA position 171, G replaced by C.
Protein change: p.Arg57=; no amino-acid change (arginine 57 retained).
Molecular consequence: synonymous variant.
Genome position (GRCh38, 1-based): chr3:52,408,558, C>G on the plus strand (G>C on the coding strand, the complement: BAP1 is on the minus strand). VCF-style: chr3-52408558-C-G. GRCh37 (hg19) VCF-style: chr3-52442574-C-G.
Identifiers: ClinVar variation 490808 (VCV000490808.13), dbSNP rs1553646027, ClinGen allele CA433778214.